The following is an entry in ClinVar:

ClinVar aggregate classification (germline): Pathogenic. Review status: criteria provided, multiple submitters, no conflicts (2 of 4 stars). 2 submissions from 2 submitters: Pathogenic (2). Last evaluated 2025-12-10.

Submissions (2):

Labcorp Genetics (formerly Invitae), Labcorp
Classification: Pathogenic. Last evaluated: 2025-12-10. Review status: criteria provided, single submitter. Criteria: Invitae Variant Classification Sherloc (09022015). Collection method: clinical testing. Allele origin: germline.
Comment: This sequence change creates a premature translational stop signal (p.Gly45Valfs*15) in the FGB gene. It is expected to result in an absent or disrupted protein product. Loss-of-function variants in FGB are known to be pathogenic (PMID: 23852822). This variant is not present in population databases (gnomAD no frequency). This variant has not been reported in the literature in individuals affected with FGB-related conditions. ClinVar contains an entry for this variant (Variation ID: 2683306). For these reasons, this variant has been classified as Pathogenic.

Mayo Clinic Laboratories, Mayo Clinic
Classification: Pathogenic. Last evaluated: 2022-08-26. Review status: criteria provided, single submitter. Criteria: ACMG Guidelines, 2015. Collection method: clinical testing. Allele origin: germline. Observed: 1 variant allele.
Comment: PM2, PM3, PS4_moderate, PVS1

Literature cited by the submitters: PubMed 23852822 (cited by Labcorp Genetics (formerly Invitae), Labcorp).

NM_005141.5(FGB):c.134del (p.Gly45fs)

Gene: FGB (fibrinogen beta chain; plus strand). Cytogenetic location: 4q31.3.
Variant type: Deletion.
Coding change: c.134del on transcript NM_005141.5 (MANE Select); coding-DNA position 134, one base deleted (G; older notation c.134delG).
Protein change: p.Gly45fs; shifts the reading frame from glycine 45.
Molecular consequence: frameshift variant.
Genome position (GRCh38, 1-based): chr4:154,565,827, G deleted; the last of 2 consecutive G bases (chr4:154,565,826-154,565,827); deleting either gives the same sequence. VCF-style (leftmost placement, unchanged base first): chr4-154565825-TG-T. GRCh37 (hg19) VCF-style: chr4-155486977-TG-T.
Other names: p.Gly45Valfs*15; c.134del, p.Gly45fs (NM_001184741.1, NM_001382759.1, NM_001382760.1 and 5 more transcripts); c.134delG, p.Gly45Valfs (NM_005141.4); short protein forms G45fs.
Identifiers: ClinVar variation 2683306 (VCV002683306.2), dbSNP rs1730132238, ClinGen allele CA1504935137.